The following is an entry in ClinVar:

ClinVar aggregate classification (germline): Uncertain significance. Review status: criteria provided, multiple submitters, no conflicts (2 of 4 stars). 2 submissions from 2 submitters: Uncertain significance (2). Last evaluated 2024-04-10.

Conditions:
Hypertrophic cardiomyopathy. Also called: HYPERTROPHIC MYOCARDIOPATHY. Identifiers: Orphanet 217569, MedGen C0007194, MeSH D002312, MONDO:0005045, HP:0001639.

Submissions (2):

Revvity Omics, Revvity
Classification: Uncertain significance. Last evaluated: 2024-04-10. Review status: criteria provided, single submitter. Criteria: ACMG Guidelines, 2015. Collection method: clinical testing. Allele origin: germline.

Labcorp Genetics (formerly Invitae), Labcorp
Classification: Uncertain significance for Hypertrophic cardiomyopathy. Last evaluated: 2024-04-06. Review status: criteria provided, single submitter. Criteria: Invitae Variant Classification Sherloc (09022015). Collection method: clinical testing. Allele origin: germline.
Comment: This sequence change replaces threonine, which is neutral and polar, with asparagine, which is neutral and polar, at codon 1232 of the MYH7 protein (p.Thr1232Asn). This variant is not present in population databases (gnomAD no frequency). This variant has not been reported in the literature in individuals affected with MYH7-related conditions. Advanced modeling of protein sequence and biophysical properties (such as structural, functional, and spatial information, amino acid conservation, physicochemical variation, residue mobility, and thermodynamic stability) performed at Invitae indicates that this missense variant is not expected to disrupt MYH7 protein function with a negative predictive value of 95%. In summary, the available evidence is currently insufficient to determine the role of this variant in disease. Therefore, it has been classified as a Variant of Uncertain Significance.

NM_000257.4(MYH7):c.3695C>A (p.Thr1232Asn)

Gene: MYH7 (myosin heavy chain 7; minus strand). Cytogenetic location: 14q11.2.
Variant type: single nucleotide variant.
Coding change: c.3695C>A on transcript NM_000257.4 (MANE Select); coding-DNA position 3695, C replaced by A.
Protein change: p.Thr1232Asn; replaces threonine 1232 with asparagine.
Molecular consequence: missense variant.
Genome position (GRCh38, 1-based): chr14:23,419,876, G>T on the plus strand (C>A on the coding strand, the complement: MYH7 is on the minus strand). VCF-style: chr14-23419876-G-T. GRCh37 (hg19) VCF-style: chr14-23889085-G-T.
Other names: c.3695C>A, p.Thr1232Asn (NM_001407004.1); short protein forms T1232N.
Identifiers: ClinVar variation 3702705 (VCV003702705.3).
Genomic context (GRCh38, chr14:23,419,876, plus strand): 5'-TGGAGGAGGGGAGGCCGAGCAGAGCCTGCCTTGGCCTTGATGATCTGCTCCATGTTGGAG[G>T]TGACGTCATCCAGCTCCAGCTTGAACTCGCTCTTCTCCTTCTCCAGCTTCTGCTTCACCC-3'
Protein context (NP_000248.2, residues 1222-1242): SEFKLELDDV[Thr1232Asn]SNMEQIIKAK